The following is an entry in ClinVar:

ClinVar aggregate classification (germline): Uncertain significance (1 of 4 stars; one submission).

Conditions:
Primary ciliary dyskinesia. Also called: Ciliary dyskinesia. Identifiers: Orphanet 244, MedGen C0008780, MONDO:0016575, HP:0012265.

Submission:

Labcorp Genetics (formerly Invitae), Labcorp
Classification: Uncertain significance for Primary ciliary dyskinesia. Last evaluated: 2025-09-15. Review status: criteria provided, single submitter. Criteria: Invitae Variant Classification Sherloc (09022015). Collection method: clinical testing. Allele origin: germline.
Comment: This sequence change replaces tyrosine, which is neutral and polar, with cysteine, which is neutral and slightly polar, at codon 403 of the CCDC40 protein (p.Tyr403Cys). This variant is not present in population databases (gnomAD no frequency). This variant has not been reported in the literature in individuals affected with CCDC40-related conditions. Invitae Evidence Modeling of protein sequence and biophysical properties (such as structural, functional, and spatial information, amino acid conservation, physicochemical variation, residue mobility, and thermodynamic stability) indicates that this missense variant is expected to disrupt CCDC40 protein function with a positive predictive value of 80%. In summary, the available evidence is currently insufficient to determine the role of this variant in disease. Therefore, it has been classified as a Variant of Uncertain Significance.

NM_017950.4(CCDC40):c.1208A>G (p.Tyr403Cys)

Gene: CCDC40 (coiled-coil domain 40 molecular ruler complex subunit; plus strand). Cytogenetic location: 17q25.3.
Variant type: single nucleotide variant.
Coding change: c.1208A>G on transcript NM_017950.4 (MANE Select); coding-DNA position 1208, A replaced by G.
Protein change: p.Tyr403Cys; replaces tyrosine 403 with cysteine.
Molecular consequence: missense variant.
Genome position (GRCh38, 1-based): chr17:80,058,542, A>G. VCF-style: chr17-80058542-A-G. GRCh37 (hg19) VCF-style: chr17-78032341-A-G.
Other names: c.1208A>G, p.Tyr403Cys (NM_001243342.2, NM_001330508.2); short protein forms Y403C.
Identifiers: ClinVar variation 4746123 (VCV004746123.1).